The following is an entry in ClinVar:

ClinVar aggregate classification (germline): Uncertain significance (1 of 4 stars; one submission).

Allele frequency attached by ClinVar (database versions not stated): TOPMed below 0.00001; gnomAD 0.00001; gnomAD exomes 0.00001; ExAC 0.00002.
gnomAD v4.1: 17 of 1,611,042 alleles (0.0011%); highest among the groups gnomAD compares: Non-Finnish European, 0.0014%; no homozygotes.

Submission:

Labcorp Genetics (formerly Invitae), Labcorp
Classification: Uncertain significance. Last evaluated: 2025-05-05. Review status: criteria provided, single submitter. Criteria: Invitae Variant Classification Sherloc (09022015). Collection method: clinical testing. Allele origin: germline.
Comment: This sequence change falls in intron 10 of the KCNQ5 gene. It does not directly change the encoded amino acid sequence of the KCNQ5 protein. It affects a nucleotide within the consensus splice site. This variant is present in population databases (rs760173206, gnomAD 0.002%). This variant has been observed in individual(s) with clinical features of KCNQ5-related disease (internal data). ClinVar contains an entry for this variant (Variation ID: 1415562). Variants that disrupt the consensus splice site are a relatively common cause of aberrant splicing (PMID: 17576681, 9536098). Algorithms developed to predict the effect of sequence changes on RNA splicing suggest that this variant is not likely to affect RNA splicing. In summary, the available evidence is currently insufficient to determine the role of this variant in disease. Therefore, it has been classified as a Variant of Uncertain Significance.

Literature cited by the submitters: PubMed 17576681; PubMed 9536098.

NM_019842.4(KCNQ5):c.1248-3568C>T

Gene: KCNQ5 (potassium voltage-gated channel subfamily Q member 5; plus strand). Cytogenetic location: 6q13.
Variant type: single nucleotide variant.
Coding change: c.1248-3568C>T on transcript NM_019842.4 (MANE Select); 3568 bases into the intron before coding-DNA position 1248, C replaced by T.
Molecular consequence: intron variant.
Genome position (GRCh38, 1-based): chr6:73,129,853, C>T. VCF-style: chr6-73129853-C-T. GRCh37 (hg19) VCF-style: chr6-73839576-C-T.
Other names: c.1304+4C>T (NM_001160133.2); c.1247+5341C>T (NM_001160134.2); c.1277+4C>T (NM_001160132.2); c.1221-3568C>T (NM_001160130.2).
Identifiers: ClinVar variation 1415562 (VCV001415562.8), dbSNP rs760173206, ClinGen allele CA3886999.